The following is an entry in ClinVar:

ClinVar aggregate classification (germline): Uncertain significance (1 of 4 stars; one submission).

Submission:

GeneDx
Classification: Uncertain significance. Last evaluated: 2023-07-27. Review status: criteria provided, single submitter. Criteria: GeneDx Variant Classification Process June 2021. Collection method: clinical testing. Allele origin: germline. Affected: yes.
Comment: In-frame deletion of two amino acids in a non-repeat region; Not observed at significant frequency in large population cohorts (gnomAD); Has not been previously published as pathogenic or benign to our knowledge

NM_005982.4(SIX1):c.430_435del (p.Ala144_His145del)

Gene: SIX1 (SIX homeobox 1; minus strand). Cytogenetic location: 14q23.1.
Variant type: Deletion.
Coding change: c.430_435del on transcript NM_005982.4 (MANE Select); coding-DNA positions 430 to 435, 6 bases deleted (GCGCAC; older notation c.430_435delGCGCAC).
Protein change: p.Ala144_His145del.
Genome position (GRCh38, 1-based): chr14:60,648,755-60,648,760, GTGCGC deleted on the plus strand (GCGCAC on the coding strand, the reverse complement: SIX1 is on the minus strand); deleting any 6 consecutive bases within chr14:60,648,755-60,648,762 gives the same sequence; the c. name uses the placement nearest the transcript's 3' end. VCF-style (leftmost placement, unchanged base first): chr14-60648754-TGTGCGC-T. GRCh37 (hg19) VCF-style: chr14-61115472-TGTGCGC-T.
Other names: c.430_435del, p.Ala144_His145del (NM_001425142.1).
Identifiers: ClinVar variation 3361671 (VCV003361671.1).
Genomic context (GRCh38, chr14:60,648,754, plus strand): 5'-TGGTGGTGAGGCCGGTGGCCTCGGCCAGCTCCCGCTTCTCACGCGGCGATGGGTAGGGAT[TGTGCGC>T]GTACCACTCCCGCAGGACACCCCTCGACTTCTCCTTGAAGCAGTAGCTGGTCTCCTCGCC-3'